The following is an entry in ClinVar:

ClinVar aggregate classification (germline): Uncertain significance. Review status: criteria provided, multiple submitters, no conflicts (2 of 4 stars). 4 submissions from 4 submitters: Uncertain significance (4). Last evaluated 2025-09-10.

Conditions:
Spinocerebellar ataxia type 6 (SCA6). Identifiers: Orphanet 98758, MedGen C0752124, MONDO:0008457, OMIM 183086.
Developmental and epileptic encephalopathy, 42 (DEE42A). Also called: Epileptic encephalopathy, early infantile, 42; DEVELOPMENTAL AND EPILEPTIC ENCEPHALOPATHY 42A; EPILEPTIC ENCEPHALOPATHY, EARLY INFANTILE, 42A. Identifiers: MedGen C4310716, MONDO:0014917, OMIM 617106.
Episodic ataxia type 2 (EA2). Also called: ATAXIA, EPISODIC, WITH NYSTAGMUS; ATAXIA, FAMILIAL PAROXYSMAL; CEREBELLAR ATAXIA, PAROXYSMAL, ACETAZOLAMIDE-RESPONSIVE; CEREBELLOPATHY, HEREDITARY PAROXYSMAL; EPISODIC ATAXIA, NYSTAGMUS-ASSOCIATED; ACETAZOLAMIDE-RESPONSIVE HEREDITARY PAROXYSMAL CEREBELLAR ATAXIA. Identifiers: Orphanet 97, MedGen C1720416, MONDO:0007163, OMIM 108500.

Allele frequency attached by ClinVar (database versions not stated): gnomAD exomes below 0.00001.
gnomAD v4.1: 3 of 1,606,522 alleles (0.00019%); highest among the groups gnomAD compares: Non-Finnish European, 0.00026%; no homozygotes.

Submissions (4):

Genomic Medicine Center of Excellence, King Faisal Specialist Hospital and Research Centre
Classification: Uncertain significance for Spinocerebellar ataxia type 6. Last evaluated: 2025-09-10. Review status: criteria provided, single submitter. Criteria: ACMG Guidelines, 2015. Collection method: clinical testing. Allele origin: germline.

GeneDx
Classification: Uncertain significance. Last evaluated: 2023-11-17. Review status: criteria provided, single submitter. Criteria: GeneDx Variant Classification Process June 2021. Collection method: clinical testing. Allele origin: germline. Affected: yes.
Comment: Not observed at significant frequency in large population cohorts (gnomAD); In silico analysis supports that this missense variant has a deleterious effect on protein structure/function; Has not been previously published as pathogenic or benign to our knowledge

Blueprint Genetics
Classification: Uncertain significance. Last evaluated: 2021-12-13. Review status: criteria provided, single submitter. Criteria: ACMG Guidelines, 2015. Collection method: clinical testing. Allele origin: germline.

Labcorp Genetics (formerly Invitae), Labcorp
Classification: Uncertain significance for Developmental and epileptic encephalopathy, 42; Episodic ataxia type 2. Last evaluated: 2021-07-29. Review status: criteria provided, single submitter. Criteria: Invitae Variant Classification Sherloc (09022015). Collection method: clinical testing. Allele origin: germline.
Comment: In summary, the available evidence is currently insufficient to determine the role of this variant in disease. Therefore, it has been classified as a Variant of Uncertain Significance. Nucleotide substitutions within the consensus splice site are a relatively common cause of aberrant splicing (PMID: 17576681, 9536098). Algorithms developed to predict the effect of sequence changes on RNA splicing suggest that this variant may disrupt the consensus splice site. Algorithms developed to predict the effect of missense changes on protein structure and function are either unavailable or do not agree on the potential impact of this missense change (SIFT: "Deleterious"; PolyPhen-2: "Benign"; Align-GVGD: "Class C0"). This missense change has been observed in individual(s) with clinical features of CACNA1A-related conditions (Invitae). This variant is not present in population databases (ExAC no frequency). This sequence change replaces glycine with arginine at codon 1912 of the CACNA1A protein (p.Gly1912Arg). The glycine residue is moderately conserved and there is a moderate physicochemical difference between glycine and arginine. This variant also falls at the last nucleotide of exon 38, which is part of the consensus splice site for this exon.

Literature cited by the submitters: PubMed 17576681 (cited by Labcorp Genetics (formerly Invitae), Labcorp); PubMed 9536098 (cited by Labcorp Genetics (formerly Invitae), Labcorp).

NM_001127222.2(CACNA1A):c.5731G>A (p.Gly1911Arg)

Gene: CACNA1A (calcium voltage-gated channel subunit alpha1 A; minus strand). Cytogenetic location: 19p13.13.
Variant type: single nucleotide variant.
Coding change: c.5731G>A on transcript NM_001127222.2 (MANE Select); coding-DNA position 5731, G replaced by A.
Protein change: p.Gly1911Arg; replaces glycine 1911 with arginine.
Molecular consequence: missense variant.
Genome position (GRCh38, 1-based): chr19:13,224,667, C>T on the plus strand (G>A on the coding strand, the complement: CACNA1A is on the minus strand). VCF-style: chr19-13224667-C-T. GRCh37 (hg19) VCF-style: chr19-13335481-C-T.
Other names: c.5734G>A (NM_001127221.1); c.5749G>A, p.Gly1917Arg (NM_000068.4, NM_023035.3); c.5734G>A, p.Gly1912Arg (NM_001127221.2); c.5740G>A, p.Gly1914Arg (NM_001174080.2); short protein forms G1914R, G1911R, G1912R, G1917R.
Identifiers: ClinVar variation 1522620 (VCV001522620.9), dbSNP rs751603485, ClinGen allele CA404336702.